The following is an entry in ClinVar:

ClinVar aggregate classification (germline): Uncertain significance (1 of 4 stars; one submission).

Conditions:
Familial focal epilepsy with variable foci (FPEVF). Identifiers: Orphanet 98820, MedGen C1858477, MONDO:0020310.

Allele frequency attached by ClinVar (database versions not stated): ExAC 0.00001; gnomAD 0.00001; gnomAD exomes 0.00001; TOPMed 0.00001.
gnomAD v4.1: 8 of 1,596,990 alleles (0.0005%); highest among the groups gnomAD compares: African/African-American, 0.004%; no homozygotes.

Submission:

Labcorp Genetics (formerly Invitae), Labcorp
Classification: Uncertain significance for Familial focal epilepsy with variable foci. Last evaluated: 2020-10-05. Review status: criteria provided, single submitter. Criteria: Invitae Variant Classification Sherloc (09022015). Collection method: clinical testing. Allele origin: germline.
Comment: This sequence change replaces arginine with glutamine at codon 328 of the DEPDC5 protein (p.Arg328Gln). The arginine residue is highly conserved and there is a small physicochemical difference between arginine and glutamine. This variant is present in population databases (rs775605247, ExAC 0.01%). This variant has not been reported in the literature in individuals with DEPDC5-related conditions. Algorithms developed to predict the effect of missense changes on protein structure and function are either unavailable or do not agree on the potential impact of this missense change (SIFT: "Deleterious"; PolyPhen-2: "Not Available"; Align-GVGD: "Class C35"). In summary, the available evidence is currently insufficient to determine the role of this variant in disease. Therefore, it has been classified as a Variant of Uncertain Significance.

NM_001242896.3(DEPDC5):c.983G>A (p.Arg328Gln)

Gene: DEPDC5 (DEP domain containing 5, GATOR1 subcomplex subunit; plus strand). Cytogenetic location: 22q12.3.
Variant type: single nucleotide variant.
Coding change: c.983G>A on transcript NM_001242896.3 (MANE Select); coding-DNA position 983, G replaced by A.
Protein change: p.Arg328Gln; replaces arginine 328 with glutamine.
Molecular consequence: missense variant. On other transcripts: non-coding transcript variant (5).
Genome position (GRCh38, 1-based): chr22:31,802,740, G>A. VCF-style: chr22-31802740-G-A. GRCh37 (hg19) VCF-style: chr22-32198726-G-A.
Other names: c.983G>A, p.Arg328Gln (NM_001007188.4, NM_001136029.4, NM_001242897.2 and 7 more transcripts); c.899G>A, p.Arg300Gln (NM_001369901.1, NM_001369902.1); short protein forms R300Q, R328Q.
Identifiers: ClinVar variation 1035959 (VCV001035959.8), dbSNP rs775605247, ClinGen allele CA10196197.